The following is an entry in ClinVar:

ClinVar aggregate classification (germline): Benign/Likely benign. Review status: criteria provided, multiple submitters, no conflicts (2 of 4 stars). 4 submissions from 4 submitters: Benign (1); Likely benign (2). 1 of the submissions does not count toward it. Last evaluated 2026-09-01.

Conditions:
Saldino-Mainzer syndrome (SRTD9). Also called: Renal dysplasia, retinal pigmentary dystrophy, cerebellar ataxia and skeletal dysplasia; SHORT-RIB THORACIC DYSPLASIA 9 WITHOUT POLYDACTYLY; CONORENAL SYNDROME; short-rib thoracic dysplasia 9 with or without polydactyly. Identifiers: Orphanet 140969, MedGen C1849437, MONDO:0009964, OMIM 266920.
IFT140-related disorder. Also called: IFT140-related condition.

Allele frequency attached by ClinVar (database versions not stated): 1000 Genomes Project 0.00140; 1000 Genomes Project 30x 0.00156; TOPMed 0.00177; gnomAD exomes 0.00307; gnomAD 0.00622.
gnomAD v4.1: 5,151 of 1,561,952 alleles (0.33%); highest among the groups gnomAD compares: Non-Finnish European, 0.3%; 33 homozygotes.

Submissions (4):

CeGaT Center for Human Genetics Tuebingen
Classification: Likely benign. Last evaluated: 2026-09-01. Review status: criteria provided, single submitter. Criteria: CeGaT Center For Human Genetics Tuebingen Variant Classification Criteria Version 2. Collection method: clinical testing. Allele origin: germline. Affected: yes. Observed: 5 variant alleles.
Comment: IFT140: BS2

Labcorp Genetics (formerly Invitae), Labcorp
Classification: Benign for Saldino-Mainzer syndrome. Last evaluated: 2026-01-28. Review status: criteria provided, single submitter. Criteria: Invitae Variant Classification Sherloc (09022015). Collection method: clinical testing. Allele origin: germline.

Illumina Laboratory Services, Illumina
Classification: Likely benign for Saldino-Mainzer syndrome. Last evaluated: 2018-01-12. Review status: criteria provided, single submitter. Criteria: ICSL Variant Classification Criteria 13 December 2019. Collection method: clinical testing. Allele origin: germline.
Comment: This variant was observed in the ICSL laboratory as part of a predisposition screen in an ostensibly healthy population. It had not been previously curated by ICSL or reported in the Human Gene Mutation Database (HGMD: prior to June 1st, 2018), and was therefore a candidate for classification through an automated scoring system. Utilizing variant allele frequency, disease prevalence and penetrance estimates, and inheritance mode, an automated score was calculated to assess if this variant is too frequent to cause the disease. Based on the score and internal cut-off values, a variant classified as likely benign is not then subjected to further curation. The score for this variant resulted in a classification of likely benign for this disease.

PreventionGenetics, part of Exact Sciences
Classification: Benign for IFT140-related condition. Last evaluated: 2022-08-26. Review status: no assertion criteria provided. Collection method: clinical testing. Allele origin: germline. Not counted in ClinVar's aggregate classification.
Comment: This variant is classified as benign based on ACMG/AMP sequence variant interpretation guidelines (Richards et al. 2015 PMID: 25741868, with internal and published modifications).

NM_014714.4(IFT140):c.2569G>A (p.Gly857Ser)

Gene: IFT140 (intraflagellar transport 140; minus strand). Cytogenetic location: 16p13.3.
Variant type: single nucleotide variant.
Coding change: c.2569G>A on transcript NM_014714.4 (MANE Select); coding-DNA position 2569, G replaced by A.
Protein change: p.Gly857Ser; replaces glycine 857 with serine.
Molecular consequence: missense variant.
Genome position (GRCh38, 1-based): chr16:1,526,627, C>T on the plus strand (G>A on the coding strand, the complement: IFT140 is on the minus strand). VCF-style: chr16-1526627-C-T. GRCh37 (hg19) VCF-style: chr16-1576628-C-T.
Other names: short protein forms G857S.
Identifiers: ClinVar variation 318053 (VCV000318053.40), dbSNP rs200876696, ClinGen allele CA7813582.